The following is an entry in ClinVar:

ClinVar aggregate classification (germline): Likely pathogenic (1 of 4 stars; one submission).

Conditions:
Microcephaly, normal intelligence and immunodeficiency (NBS). Also called: Ataxia telangiectasia variant V1; IMMUNODEFICIENCY, MICROCEPHALY, AND CHROMOSOMAL INSTABILITY; SEEMANOVA SYNDROME II; Immunodeficiency, microcephaly with normal intelligence; Nijmegen breakage syndrome; Microcephaly with normal intelligence immunodeficiency and lymphoreticular malignancies. Identifiers: Orphanet 647, MedGen C0398791, MONDO:0009623, OMIM 251260.

Submission:

Myriad Genetics, Inc.
Classification: Likely pathogenic for Microcephaly, normal intelligence and immunodeficiency. Last evaluated: 2022-03-14. Review status: criteria provided, single submitter. Criteria: Myriad Women's Health Autosomal Recessive and X-Linked Classification Criteria (2021). Collection method: clinical testing. Allele origin: unknown.
Comment: NM_002485.4(NBN):c.1767delT(R590Efs*8) is expected to be pathogenic in the context of Nijmegen breakage syndrome. This variant is predicted to lead to an abnormal or absent protein product due to the creation of a premature termination codon in NBN, a gene where loss-of-function variants are known to be pathogenic. Please note: this variant was assessed in the context of healthy population screening.

NM_002485.5(NBN):c.1767del (p.Arg590fs)

Gene: NBN (nibrin; minus strand). Cytogenetic location: 8q21.3.
Variant type: Deletion.
Coding change: c.1767del on transcript NM_002485.5 (MANE Select); coding-DNA position 1767, one base deleted (T; older notation c.1767delT).
Protein change: p.Arg590fs; shifts the reading frame from arginine 590.
Molecular consequence: frameshift variant.
Genome position (GRCh38, 1-based): chr8:89,953,322, A deleted on the plus strand (T on the coding strand, the reverse complement: NBN is on the minus strand); the first of 2 consecutive A bases (chr8:89,953,322-89,953,323); deleting either gives the same sequence. VCF-style (leftmost placement, unchanged base first): chr8-89953321-TA-T. GRCh37 (hg19) VCF-style: chr8-90965549-TA-T.
Other names: c.1521del, p.Arg508fs (NM_001024688.3); short protein forms R508fs, R590fs.
Identifiers: ClinVar variation 1725225 (VCV001725225.2), dbSNP rs2488229290, ClinGen allele CA2580078997.